The following is an entry in ClinVar:

NM_015340.4(LARS2):c.1801G>A (p.Gly601Arg)

Gene: LARS2 (leucyl-tRNA synthetase 2, mitochondrial; plus strand). Cytogenetic location: 3p21.31.
Variant type: single nucleotide variant.
Coding change: c.1801G>A on transcript NM_015340.4 (MANE Select); coding-DNA position 1801, G replaced by A.
Protein change: p.Gly601Arg; replaces glycine 601 with arginine.
Molecular consequence: missense variant.
Genome position (GRCh38, 1-based): chr3:45,513,175, G>A. VCF-style: chr3-45513175-G-A. GRCh37 (hg19) VCF-style: chr3-45554667-G-A.
Other names: c.1801G>A, p.Gly601Arg (NM_001368263.1); short protein forms G601R.
Identifiers: ClinVar variation 2442520 (VCV002442520.7), dbSNP rs1575305374, ClinGen allele CA352427308.

ClinVar aggregate classification (germline): Uncertain significance. Review status: criteria provided, multiple submitters, no conflicts (2 of 4 stars). 2 submissions from 2 submitters: Uncertain significance (2). Last evaluated 2025-04-18.

Conditions:
Perrault syndrome 4 (PRLTS4). Identifiers: Orphanet 2855, MedGen C3809105, MONDO:0014126, OMIM 615300.
Hydrops-lactic acidosis-sideroblastic anemia-multisystemic failure syndrome. Also called: Hydrops, lactic acidosis, and sideroblastic anemia. Identifiers: Orphanet 528091, MedGen C4310761, MONDO:0014869, OMIM 617021.

gnomAD v4.1: 2 of 1,613,860 alleles (0.00012%); no homozygotes.

Submissions (2):

GeneDx
Classification: Uncertain significance. Last evaluated: 2025-04-18. Review status: criteria provided, single submitter. Criteria: GeneDx Variant Classification Process June 2021. Collection method: clinical testing. Allele origin: germline. Affected: yes.
Comment: Not observed at significant frequency in large population cohorts (gnomAD); In silico analysis supports that this missense variant has a deleterious effect on protein structure/function; Has not been previously published as pathogenic or benign to our knowledge

Juno Genomics, Hangzhou Juno Genomics, Inc
Classification: Uncertain significance for Hydrops-lactic acidosis-sideroblastic anemia-multisystemic failure syndrome; Perrault syndrome 4. Review status: criteria provided, single submitter. Criteria: ACMG Guidelines, 2015. Collection method: clinical testing. Allele origin: germline.
Comment: Absent from controls (or at extremely low frequency if recessive) in Genome Aggregation Database.